The following is an entry in ClinVar:

ClinVar aggregate classification (germline): Benign/Likely benign. Review status: criteria provided, multiple submitters, no conflicts (2 of 4 stars). 6 submissions from 6 submitters: Benign (1); Likely benign (5). Last evaluated 2025-12-23.

Conditions:
Hereditary cancer-predisposing syndrome. Also called: Tumor predisposition; Hereditary Cancer Syndrome; Hereditary neoplastic syndrome; Neoplastic Syndromes, Hereditary. Identifiers: Orphanet 140162, MedGen C0027672, MeSH D009386, MONDO:0015356.
POLD1-related polyposis and colorectal cancer syndrome (CRCS10). Also called: Colorectal cancer 10; COLORECTAL CANCER, SUSCEPTIBILITY TO, ON CHROMOSOME 19q; Colorectal cancer, susceptibility to, 10. Identifiers: Orphanet 220460, MedGen C2675481, MONDO:0012953, OMIM 612591.

Allele frequency attached by ClinVar (database versions not stated): gnomAD exomes 0.00002; gnomAD 0.00003 and 0.00004; TOPMed 0.00004; ExAC 0.00005; ESP Exome Variant Server 0.00008.

Submissions (6):

Labcorp Genetics (formerly Invitae), Labcorp
Classification: Likely benign for POLD1-related polyposis and colorectal cancer syndrome. Last evaluated: 2025-12-23. Review status: criteria provided, single submitter. Criteria: Invitae Variant Classification Sherloc (09022015). Collection method: clinical testing. Allele origin: germline.

Quest Diagnostics Nichols Institute San Juan Capistrano
Classification: Likely benign. Last evaluated: 2025-09-19. Review status: criteria provided, single submitter. Criteria: Quest Diagnostics criteria. Collection method: clinical testing. Allele origin: unknown.

Myriad Genetics, Inc.
Classification: Benign for POLD1-related polyposis and colorectal cancer syndrome. Last evaluated: 2025-02-05. Review status: criteria provided, single submitter. Criteria: Myriad Autosomal Dominant, Autosomal Recessive and X-Linked Classification Criteria (2023). Collection method: clinical testing. Allele origin: unknown.
Comment: This variant is considered benign. This variant is a silent/synonymous amino acid change and it is not expected to impact splicing.

Sema4
Classification: Likely benign for Hereditary cancer-predisposing syndrome. Last evaluated: 2021-04-03. Review status: criteria provided, single submitter. Criteria: Sema4 Curation Guidelines. Collection method: curation. Allele origin: germline.

GeneDx
Classification: Likely benign. Last evaluated: 2020-06-26. Review status: criteria provided, single submitter. Criteria: GeneDx Variant Classification Process June 2021. Collection method: clinical testing. Allele origin: germline. Affected: yes.

Ambry Genetics
Classification: Likely benign for Hereditary cancer-predisposing syndrome. Last evaluated: 2016-05-05. Review status: criteria provided, single submitter. Criteria: Ambry Variant Classification Scheme 2023. Collection method: clinical testing. Allele origin: germline.

NM_002691.4(POLD1):c.999T>C (p.Pro333=)

Gene: POLD1 (DNA polymerase delta 1, catalytic subunit; plus strand). Cytogenetic location: 19q13.33.
Variant type: single nucleotide variant.
Coding change: c.999T>C on transcript NM_002691.4 (MANE Select); coding-DNA position 999, T replaced by C.
Protein change: p.Pro333=; no amino-acid change (proline 333 retained).
Molecular consequence: synonymous variant. On other transcripts: non-coding transcript variant (1).
Genome position (GRCh38, 1-based): chr19:50,403,081, T>C. VCF-style: chr19-50403081-T-C. GRCh37 (hg19) VCF-style: chr19-50906338-T-C.
Other names: c.999T>C, p.Pro333= (NM_001256849.1, NM_001308632.1).
Identifiers: ClinVar variation 484344 (VCV000484344.20), dbSNP rs376978864, ClinGen allele CA9596001.
Genomic context (GRCh38, chr19:50,403,081, plus strand): 5'-GAGTCAGGCCCCTGCATCCTCCTGCCTCGCAGGCATCTTCCCTGAGCCTGAGCGGGACCC[T>C]GTCATCCAGATCTGCTCGCTGGGCCTGCGCTGGGGGGAGCCGGAGCCCTTCCTACGCCTG-3'
Protein context (NP_002682.2, residues 323-343): KGIFPEPERD[Pro333=]VIQICSLGLR